The following is an entry in ClinVar:

ClinVar aggregate classification (germline): Uncertain significance (1 of 4 stars; one submission).

Conditions:
Dilated cardiomyopathy 1J (CMD1J). Also called: CARDIOMYOPATHY, DILATED, WITH SENSORINEURAL HEARING LOSS, AUTOSOMAL DOMINANT. Identifiers: Orphanet 217622, MedGen C1854368, MONDO:0011541, OMIM 605362.

Submission:

Labcorp Genetics (formerly Invitae), Labcorp
Classification: Uncertain significance for Dilated cardiomyopathy 1J. Last evaluated: 2021-07-07. Review status: criteria provided, single submitter. Criteria: Invitae Variant Classification Sherloc (09022015). Collection method: clinical testing. Allele origin: germline.
Comment: This sequence change replaces serine with asparagine at codon 537 of the EYA4 protein (p.Ser537Asn). The serine residue is highly conserved and there is a small physicochemical difference between serine and asparagine. This variant is not present in population databases (ExAC no frequency). This variant has not been reported in the literature in individuals affected with EYA4-related conditions. Algorithms developed to predict the effect of missense changes on protein structure and function (SIFT, PolyPhen-2, Align-GVGD) all suggest that this variant is likely to be tolerated. In summary, the available evidence is currently insufficient to determine the role of this variant in disease. Therefore, it has been classified as a Variant of Uncertain Significance.

NM_004100.5(EYA4):c.1610G>A (p.Ser537Asn)

Genes: TARID (TCF21 antisense RNA inducing promoter demethylation; minus strand), EYA4 (EYA transcriptional coactivator and phosphatase 4; plus strand). Cytogenetic location: 6q23.2.
Variant type: single nucleotide variant.
Coding change: c.1610G>A on transcript NM_004100.5 (MANE Select); coding-DNA position 1610, G replaced by A.
Protein change: p.Ser537Asn; replaces serine 537 with asparagine.
Molecular consequence: missense variant.
Genome position (GRCh38, 1-based): chr6:133,515,429, G>A. VCF-style: chr6-133515429-G-A. GRCh37 (hg19) VCF-style: chr6-133836567-G-A.
Other names: c.1448G>A, p.Ser483Asn (NM_001301012.2); c.1628G>A, p.Ser543Asn (NM_001301013.2); c.1541G>A, p.Ser514Asn (NM_001370458.1, NM_172103.4); c.1466G>A, p.Ser489Asn (NM_001370459.1); c.1610G>A, p.Ser537Asn (NM_172105.4); short protein forms S514N, S537N, S489N, S543N, S483N.
Identifiers: ClinVar variation 1412644 (VCV001412644.8), dbSNP rs2128790258, ClinGen allele CA365695633.